The following is an entry in ClinVar:

NM_001206927.2(DNAH8):c.1407+14T>C

Gene: DNAH8 (dynein axonemal heavy chain 8; plus strand). Cytogenetic location: 6p21.2.
Variant type: single nucleotide variant.
Coding change: c.1407+14T>C on transcript NM_001206927.2 (MANE Select); 14 bases into the intron after coding-DNA position 1407, T replaced by C.
Molecular consequence: intron variant.
Genome position (GRCh38, 1-based): chr6:38,750,603, T>C. VCF-style: chr6-38750603-T-C. GRCh37 (hg19) VCF-style: chr6-38718379-T-C.
Other names: c.756+14T>C (NM_001371.4).
Identifiers: ClinVar variation 1370127 (VCV001370127.6), dbSNP rs1206527569, ClinGen allele CA566566350.

ClinVar aggregate classification (germline): Uncertain significance (1 of 4 stars; one submission).

Conditions:
Primary ciliary dyskinesia. Also called: Ciliary dyskinesia. Identifiers: Orphanet 244, MedGen C0008780, MONDO:0016575, HP:0012265.

Allele frequency attached by ClinVar (database versions not stated): gnomAD exomes below 0.00001 and 0.00001; gnomAD 0.00001; TOPMed 0.00001.
gnomAD v4.1: 5 of 1,511,624 alleles (0.00033%); highest among the groups gnomAD compares: Admixed American, 0.0087%; no homozygotes.

Submission:

Labcorp Genetics (formerly Invitae), Labcorp
Classification: Uncertain significance for Primary ciliary dyskinesia. Last evaluated: 2024-03-25. Review status: criteria provided, single submitter. Criteria: Invitae Variant Classification Sherloc (09022015). Collection method: clinical testing. Allele origin: germline.
Comment: This sequence change falls in intron 9 of the DNAH8 gene. It does not directly change the encoded amino acid sequence of the DNAH8 protein. This variant is present in population databases (no rsID available, gnomAD 0.007%). This variant has been observed in individual(s) with clinical features of primary ciliary dyskinesia (Invitae). ClinVar contains an entry for this variant (Variation ID: 1370127). Algorithms developed to predict the effect of sequence changes on RNA splicing suggest that this variant is not likely to affect RNA splicing. In summary, the available evidence is currently insufficient to determine the role of this variant in disease. Therefore, it has been classified as a Variant of Uncertain Significance.